The following is an entry in ClinVar:

NM_000540.3(RYR1):c.5994C>A (p.Phe1998Leu)

Gene: RYR1 (ryanodine receptor 1; plus strand). Cytogenetic location: 19q13.2.
Variant type: single nucleotide variant.
Coding change: c.5994C>A on transcript NM_000540.3 (MANE Select); coding-DNA position 5994, C replaced by A.
Protein change: p.Phe1998Leu; replaces phenylalanine 1998 with leucine.
Molecular consequence: missense variant.
Genome position (GRCh38, 1-based): chr19:38,490,255, C>A. VCF-style: chr19-38490255-C-A. GRCh37 (hg19) VCF-style: chr19-38980895-C-A.
Other names: c.5994C>A, p.Phe1998Leu (NM_001042723.2); short protein forms F1998L.
Identifiers: ClinVar variation 1497596 (VCV001497596.6), dbSNP rs2145562591, ClinGen allele CA405660645.

ClinVar aggregate classification (germline): Uncertain significance (1 of 4 stars; one submission).

Conditions:
RYR1-related disorder. Also called: RYR1-related condition; RYR1-related disorders. Identifiers: MedGen CN239331.

Submission:

Labcorp Genetics (formerly Invitae), Labcorp
Classification: Uncertain significance for RYR1-related disorder. Last evaluated: 2021-09-25. Review status: criteria provided, single submitter. Criteria: Invitae Variant Classification Sherloc (09022015). Collection method: clinical testing. Allele origin: germline.
Comment: In summary, the available evidence is currently insufficient to determine the role of this variant in disease. Therefore, it has been classified as a Variant of Uncertain Significance. Algorithms developed to predict the effect of missense changes on protein structure and function are either unavailable or do not agree on the potential impact of this missense change (SIFT: "Deleterious"; PolyPhen-2: "Benign"; Align-GVGD: "Class C0"). This variant has not been reported in the literature in individuals affected with RYR1-related conditions. This variant is not present in population databases (ExAC no frequency). This sequence change replaces phenylalanine with leucine at codon 1998 of the RYR1 protein (p.Phe1998Leu). The phenylalanine residue is highly conserved and there is a small physicochemical difference between phenylalanine and leucine.